The following is an entry in ClinVar:

ClinVar aggregate classification (germline): Uncertain significance. Review status: criteria provided, multiple submitters, no conflicts (2 of 4 stars). 2 submissions from 2 submitters: Uncertain significance (2). Last evaluated 2022-03-26.

Conditions:
Charcot-Marie-Tooth disease. Also called: Charcot-Marie-Tooth Hereditary Neuropathy; Charcot-Marie-Tooth Neuropathy. Identifiers: Orphanet 166, MedGen C0007959, MONDO:0015626.
Autosomal recessive distal spinal muscular atrophy 1. Also called: HMN VI; NEURONOPATHY, SEVERE INFANTILE AXONAL, WITH RESPIRATORY FAILURE; SEVERE INFANTILE AXONAL NEUROPATHY WITH RESPIRATORY FAILURE; NEURONOPATHY, DISTAL HEREDITARY MOTOR, HARDING TYPE VI; NEUROPATHY, DISTAL HEREDITARY MOTOR, AUTOSOMAL RECESSIVE 1; SPINAL MUSCULAR ATROPHY, DIAPHRAGMATIC. Identifiers: Orphanet 98920, MedGen C1858517, MONDO:0011436, OMIM 604320.
Charcot-Marie-Tooth disease axonal type 2S. Also called: CHARCOT-MARIE-TOOTH DISEASE, AXONAL, AUTOSOMAL RECESSIVE, TYPE 2S; CHARCOT-MARIE-TOOTH NEUROPATHY, TYPE 2S. Identifiers: Orphanet 443073, MedGen C4015349, MONDO:0014511, OMIM 616155.

Submissions (2):

Labcorp Genetics (formerly Invitae), Labcorp
Classification: Uncertain significance for Autosomal recessive distal spinal muscular atrophy 1; Charcot-Marie-Tooth disease axonal type 2S. Last evaluated: 2022-03-26. Review status: criteria provided, single submitter. Criteria: Invitae Variant Classification Sherloc (09022015). Collection method: clinical testing. Allele origin: germline.
Comment: In summary, the available evidence is currently insufficient to determine the role of this variant in disease. Therefore, it has been classified as a Variant of Uncertain Significance. Advanced modeling of protein sequence and biophysical properties (such as structural, functional, and spatial information, amino acid conservation, physicochemical variation, residue mobility, and thermodynamic stability) performed at Invitae indicates that this missense variant is expected to disrupt IGHMBP2 protein function. ClinVar contains an entry for this variant (Variation ID: 917017). This missense change has been observed in individual(s) with clinical features of Charcot-Marie-Tooth Disease (PMID: 32376792). This variant is not present in population databases (gnomAD no frequency). This sequence change replaces proline, which is neutral and non-polar, with arginine, which is basic and polar, at codon 243 of the IGHMBP2 protein (p.Pro243Arg).

Molecular Genetics Laboratory, London Health Sciences Centre
Classification: Uncertain significance for Charcot-Marie-Tooth disease. Review status: criteria provided, single submitter. Criteria: ACMG Guidelines, 2015. Collection method: clinical testing. Allele origin: germline. Affected: yes.

Literature cited by the submitters: PubMed 32376792 (cited by Labcorp Genetics (formerly Invitae), Labcorp).

NM_002180.3(IGHMBP2):c.728C>G (p.Pro243Arg)

Gene: IGHMBP2 (immunoglobulin mu DNA binding protein 2; plus strand). Cytogenetic location: 11q13.3.
Variant type: single nucleotide variant.
Coding change: c.728C>G on transcript NM_002180.3 (MANE Select); coding-DNA position 728, C replaced by G.
Protein change: p.Pro243Arg; replaces proline 243 with arginine.
Molecular consequence: missense variant.
Genome position (GRCh38, 1-based): chr11:68,914,839, C>G. VCF-style: chr11-68914839-C-G. GRCh37 (hg19) VCF-style: chr11-68682307-C-G.
Other names: short protein forms P243R.
Identifiers: ClinVar variation 917017 (VCV000917017.6), dbSNP rs1858584931, ClinGen allele CA381644251.